The following is an entry in ClinVar:

ClinVar aggregate classification (germline): Benign/Likely benign. Review status: criteria provided, multiple submitters, no conflicts (2 of 4 stars). 14 submissions from 14 submitters: Benign (10); Likely benign (1). 3 of the submissions do not count toward it. Last evaluated 2026-02-04.

Conditions:
Primary ciliary dyskinesia. Also called: Ciliary dyskinesia. Identifiers: Orphanet 244, MedGen C0008780, MONDO:0016575, HP:0012265.
Primary ciliary dyskinesia 3. Identifiers: Orphanet 244, MedGen C1837618, MONDO:0012085, OMIM 608644.

Allele frequency attached by ClinVar (database versions not stated): 1000 Genomes Project 0.20867; 1000 Genomes Project 30x 0.20924; gnomAD 0.23604 and 0.23716; TOPMed 0.23888; ESP Exome Variant Server 0.24612; ExAC 0.25237; gnomAD exomes 0.25445 and 0.26873.
gnomAD v4.1: 429,352 of 1,613,654 alleles (27%); highest among the groups gnomAD compares: Middle Eastern, 38%; 58,738 homozygotes.

Submissions (14):

Labcorp Genetics (formerly Invitae), Labcorp
Classification: Benign for Primary ciliary dyskinesia. Last evaluated: 2026-02-04. Review status: criteria provided, single submitter. Criteria: Invitae Variant Classification Sherloc (09022015). Collection method: clinical testing. Allele origin: germline.

Blueprint Genetics
Classification: Likely benign. Last evaluated: 2024-11-26. Review status: criteria provided, single submitter. Criteria: ACMG Guidelines, 2015. Collection method: clinical testing. Allele origin: germline.

Mayo Clinic Laboratories, Mayo Clinic
Classification: Benign. Last evaluated: 2022-04-26. Review status: criteria provided, single submitter. Criteria: ACMG Guidelines, 2015. Collection method: clinical testing. Allele origin: germline. Observed: 84 variant alleles.

Genome-Nilou Lab
Classification: Benign for Primary ciliary dyskinesia 3. Last evaluated: 2021-07-30. Review status: criteria provided, single submitter. Criteria: ACMG Guidelines, 2015. Collection method: clinical testing. Allele origin: germline. Affected: no.

Pars Genome Lab
Classification: Benign for Primary ciliary dyskinesia 3. Last evaluated: 2021-06-15. Review status: criteria provided, single submitter. Criteria: ACMG Guidelines, 2015. Collection method: clinical testing. Allele origin: germline. Affected: no.

GeneDx
Classification: Benign. Last evaluated: 2018-11-27. Review status: criteria provided, single submitter. Criteria: GeneDx Variant Classification Process June 2021. Collection method: clinical testing. Allele origin: germline. Affected: yes.

Illumina Laboratory Services, Illumina
Classification: Benign for Primary ciliary dyskinesia 3. Last evaluated: 2018-01-13. Review status: criteria provided, single submitter. Criteria: ICSL Variant Classification Criteria 13 December 2019. Collection method: clinical testing. Allele origin: germline.
Comment: This variant was observed in the ICSL laboratory as part of a predisposition screen in an ostensibly healthy population. It had not been previously curated by ICSL or reported in the Human Gene Mutation Database (HGMD: prior to June 1st, 2018), and was therefore a candidate for classification through an automated scoring system. Utilizing variant allele frequency, disease prevalence and penetrance estimates, and inheritance mode, an automated score was calculated to assess if this variant is too frequent to cause the disease. Based on the score and internal cut-off values, a variant classified as benign is not then subjected to further curation. The score for this variant resulted in a classification of benign for this disease.

Ambry Genetics
Classification: Benign for Primary ciliary dyskinesia. Last evaluated: 2014-12-11. Review status: criteria provided, single submitter. Criteria: Ambry Variant Classification Scheme 2023. Collection method: clinical testing. Allele origin: germline.

Laboratory for Molecular Medicine, Mass General Brigham Personalized Medicine
Classification: Benign. Last evaluated: 2013-02-21. Review status: criteria provided, single submitter. Criteria: LMM Criteria. Collection method: clinical testing. Allele origin: germline. Observed: 59 variant alleles.
Comment: Leu2862Phe in exon 51 of DNAH5: This variant is not expected to have clinical si gnificance because it has been identified in 28.9% (2482/8600) of European Ameri can chromosomes from a broad population by the NHLBI Exome Sequencing Project (dbSNP rs10513155).

Breakthrough Genomics
Classification: Benign. Review status: criteria provided, single submitter. Criteria: ACMG Guidelines, 2015. Collection method: not provided. Allele origin: germline. Inheritance: Autosomal recessive inheritance. Affected: yes.

PreventionGenetics, part of Exact Sciences
Classification: Benign. Review status: criteria provided, single submitter. Criteria: ACMG Guidelines, 2015. Collection method: clinical testing. Allele origin: germline.

Natera, Inc.
Classification: Benign for Primary ciliary dyskinesia. Last evaluated: 2020-09-16. Review status: no assertion criteria provided. Collection method: clinical testing. Allele origin: germline. Not counted in ClinVar's aggregate classification.

Clinical Genetics DNA and cytogenetics Diagnostics Lab, Erasmus MC, Erasmus Medical Center
Classification: Benign. Review status: no assertion criteria provided. Collection method: clinical testing. Allele origin: germline. Affected: yes. Study: VKGL Data-share Consensus. Not counted in ClinVar's aggregate classification.

Diagnostic Laboratory, Department of Genetics, University Medical Center Groningen
Classification: Benign. Review status: no assertion criteria provided. Collection method: clinical testing. Allele origin: germline. Affected: yes. Study: VKGL Data-share Consensus. Not counted in ClinVar's aggregate classification.

NM_001369.3(DNAH5):c.8586G>T (p.Leu2862Phe)

Gene: DNAH5 (dynein axonemal heavy chain 5; minus strand). Cytogenetic location: 5p15.2.
Variant type: single nucleotide variant.
Coding change: c.8586G>T on transcript NM_001369.3 (MANE Select); coding-DNA position 8586, G replaced by T.
Protein change: p.Leu2862Phe; replaces leucine 2862 with phenylalanine.
Molecular consequence: missense variant.
Genome position (GRCh38, 1-based): chr5:13,788,777, C>A on the plus strand (G>T on the coding strand, the complement: DNAH5 is on the minus strand). VCF-style: chr5-13788777-C-A. GRCh37 (hg19) VCF-style: chr5-13788886-C-A.
Other names: short protein forms L2862F.
Identifiers: ClinVar variation 178745 (VCV000178745.43), dbSNP rs10513155, ClinGen allele CA182927.